The following is an entry in ClinVar:

ClinVar aggregate classification (germline): Uncertain significance (1 of 4 stars; one submission).

Conditions:
Dilated cardiomyopathy 1JJ (CMD1JJ). Identifiers: Orphanet 154, MedGen C3808935, MONDO:0014095, OMIM 615235.

Allele frequency attached by ClinVar (database versions not stated): ExAC 0.00002; gnomAD exomes 0.00001; TOPMed 0.00001.
gnomAD v4.1: 21 of 1,613,958 alleles (0.0013%); highest among the groups gnomAD compares: East Asian, 0.0067%; no homozygotes.

Submission:

Labcorp Genetics (formerly Invitae), Labcorp
Classification: Uncertain significance for Dilated cardiomyopathy 1JJ. Last evaluated: 2023-01-26. Review status: criteria provided, single submitter. Criteria: Invitae Variant Classification Sherloc (09022015). Collection method: clinical testing. Allele origin: germline.
Comment: In summary, the available evidence is currently insufficient to determine the role of this variant in disease. Therefore, it has been classified as a Variant of Uncertain Significance. Algorithms developed to predict the effect of missense changes on protein structure and function (SIFT, PolyPhen-2, Align-GVGD) all suggest that this variant is likely to be tolerated. This missense change has been observed in individual(s) with dilated cardiomyopathy (PMID: 31983221). This variant is present in population databases (rs782682713, gnomAD 0.006%). This sequence change replaces serine, which is neutral and polar, with leucine, which is neutral and non-polar, at codon 960 of the LAMA4 protein (p.Ser960Leu).

Literature cited by the submitters: PubMed 31983221.

NM_001105206.3(LAMA4):c.2900C>T (p.Ser967Leu)

Genes: LAMA4 (laminin subunit alpha 4; minus strand), LOC126859766 (MED14-independent group 3 enhancer GRCh37_chr6:112462018-112463217; plus strand). Cytogenetic location: 6q21.
Variant type: single nucleotide variant.
Coding change: c.2900C>T on transcript NM_001105206.3 (MANE Select); coding-DNA position 2900, C replaced by T.
Protein change: p.Ser967Leu; replaces serine 967 with leucine.
Molecular consequence: missense variant.
Genome position (GRCh38, 1-based): chr6:112,140,836, G>A on the plus strand (C>T on the coding strand, the complement: LAMA4 is on the minus strand). VCF-style: chr6-112140836-G-A. GRCh37 (hg19) VCF-style: chr6-112462038-G-A.
Other names: c.2879C>T, p.Ser960Leu (NM_001105207.3, NM_002290.5); short protein forms S960L, S967L.
Identifiers: ClinVar variation 2064047 (VCV002064047.4), dbSNP rs782682713, ClinGen allele CA3965362.